The following is an entry in ClinVar:

NM_000535.7(PMS2):c.879C>T (p.Asn293=)

Gene: PMS2 (PMS1 homolog 2, mismatch repair system component; minus strand). Cytogenetic location: 7p22.1.
Variant type: single nucleotide variant.
Coding change: c.879C>T on transcript NM_000535.7 (MANE Select); coding-DNA position 879, C replaced by T.
Protein change: p.Asn293=; no amino-acid change (asparagine 293 retained).
Molecular consequence: synonymous variant. On other transcripts: 5 prime UTR variant (2), non-coding transcript variant (1).
Genome position (GRCh38, 1-based): chr7:5,995,558, G>A on the plus strand (C>T on the coding strand, the complement: PMS2 is on the minus strand). VCF-style: chr7-5995558-G-A. GRCh37 (hg19) VCF-style: chr7-6035189-G-A.
Other names: c.474C>T, p.Asn158= (NM_001322003.2, NM_001322004.2, NM_001322005.2 and 2 more transcripts); c.879C>T, p.Asn293= (NM_001322006.2, NM_001322014.2); c.561C>T, p.Asn187= (NM_001322007.2, NM_001322008.2); c.-55C>T (NM_001322011.2, NM_001322012.2); c.306C>T, p.Asn102= (NM_001322013.2); c.570C>T, p.Asn190= (NM_001322015.2).
Identifiers: ClinVar variation 525883 (VCV000525883.11), dbSNP rs1208421007, ClinGen allele CA453645768.

ClinVar aggregate classification (germline): Benign/Likely benign. Review status: criteria provided, multiple submitters, no conflicts (2 of 4 stars). 4 submissions from 4 submitters: Benign (1); Likely benign (3). Last evaluated 2025-01-28.

Conditions:
Hereditary cancer-predisposing syndrome. Also called: Neoplastic Syndromes, Hereditary; Tumor predisposition; Hereditary Cancer Syndrome; Hereditary neoplastic syndrome. Identifiers: Orphanet 140162, MedGen C0027672, MeSH D009386, MONDO:0015356.
Hereditary nonpolyposis colorectal neoplasms. Identifiers: MedGen C0009405, MeSH D003123.
Lynch syndrome. Identifiers: Orphanet 144, MedGen C4552100, MONDO:0005835. Disease mechanism: loss of function.
Lynch syndrome 4 (LYNCH4). Also called: Colorectal cancer, hereditary nonpolyposis, type 4; Hereditary non-polyposis colorectal cancer, type 4. Identifiers: Orphanet 144, MedGen C1838333, MONDO:0013699, OMIM 614337. Disease mechanism: loss of function.

Allele frequency attached by ClinVar (database versions not stated): gnomAD 0.00001; TOPMed 0.00001.
gnomAD v4.1: 1 of 1,613,642 alleles (0.000062%); highest among the groups gnomAD compares: African/African-American, 0.0013%; no homozygotes.

Submissions (4):

Myriad Genetics, Inc.
Classification: Benign for Lynch syndrome 4. Last evaluated: 2025-01-28. Review status: criteria provided, single submitter. Criteria: Myriad Autosomal Dominant, Autosomal Recessive and X-Linked Classification Criteria (2023). Collection method: clinical testing. Allele origin: unknown.
Comment: This variant is considered benign. This variant is a silent/synonymous amino acid change and it is not expected to impact splicing.

Ambry Genetics
Classification: Likely benign for Hereditary cancer-predisposing syndrome. Last evaluated: 2024-02-09. Review status: criteria provided, single submitter. Criteria: Ambry Variant Classification Scheme 2023. Collection method: clinical testing. Allele origin: germline.

All of Us Research Program, National Institutes of Health
Classification: Likely benign for Lynch syndrome. Last evaluated: 2023-08-15. Review status: criteria provided, single submitter. Criteria: ACMG Guidelines, 2015. Collection method: clinical testing. Allele origin: germline. Inheritance: Autosomal dominant inheritance. Observed: 1 variant allele, 1 heterozygote.
Comment: This study involves interpretation of variants in research participants for the purpose of population health screening. Participant phenotype was not available at the time of variant classification. Additional details can be found in publication PMID: 35346344, PMCID: PMC8962531

Labcorp Genetics (formerly Invitae), Labcorp
Classification: Likely benign for Hereditary nonpolyposis colorectal neoplasms. Last evaluated: 2023-04-20. Review status: criteria provided, single submitter. Criteria: Invitae Variant Classification Sherloc (09022015). Collection method: clinical testing. Allele origin: germline.